The following is an entry in ClinVar:

NM_003322.6(TULP1):c.380A>T (p.Asp127Val)

Gene: TULP1 (TUB like protein 1; minus strand). Cytogenetic location: 6p21.31.
Variant type: single nucleotide variant.
Coding change: c.380A>T on transcript NM_003322.6 (MANE Select); coding-DNA position 380, A replaced by T.
Protein change: p.Asp127Val; replaces aspartic acid 127 with valine.
Molecular consequence: missense variant.
Genome position (GRCh38, 1-based): chr6:35,510,980, T>A on the plus strand (A>T on the coding strand, the complement: TULP1 is on the minus strand). VCF-style: chr6-35510980-T-A. GRCh37 (hg19) VCF-style: chr6-35478757-T-A.
Other names: c.221A>T, p.Asp74Val (NM_001289395.2); short protein forms D127V, D74V.
Identifiers: ClinVar variation 1979619 (VCV001979619.1), dbSNP rs374057301, ClinGen allele CA3772933.

ClinVar aggregate classification (germline): Uncertain significance (1 of 4 stars; one submission).

Allele frequency attached by ClinVar (database versions not stated): ExAC 0.00001; TOPMed 0.00005; gnomAD 0.00006; ESP Exome Variant Server 0.00008.
gnomAD v4.1: 9 of 1,600,638 alleles (0.00056%); highest among the groups gnomAD compares: African/African-American, 0.012%; no homozygotes.

Submission:

Labcorp Genetics (formerly Invitae), Labcorp
Classification: Uncertain significance. Last evaluated: 2022-07-12. Review status: criteria provided, single submitter. Criteria: Invitae Variant Classification Sherloc (09022015). Collection method: clinical testing. Allele origin: germline.
Comment: This sequence change replaces aspartic acid, which is acidic and polar, with valine, which is neutral and non-polar, at codon 127 of the TULP1 protein (p.Asp127Val). The frequency data for this variant in the population databases is considered unreliable, as metrics indicate poor data quality at this position in the gnomAD database. This variant has not been reported in the literature in individuals affected with TULP1-related conditions. Algorithms developed to predict the effect of missense changes on protein structure and function are either unavailable or do not agree on the potential impact of this missense change (SIFT: "Not Available"; PolyPhen-2: "Benign"; Align-GVGD: "Not Available"). In summary, the available evidence is currently insufficient to determine the role of this variant in disease. Therefore, it has been classified as a Variant of Uncertain Significance.